The following is an entry in ClinVar:

NM_018127.7(ELAC2):c.739-275G>A

Gene: ELAC2 (elaC ribonuclease Z 2; minus strand). Cytogenetic location: 17p12.
Variant type: single nucleotide variant.
Coding change: c.739-275G>A on transcript NM_018127.7 (MANE Select); 275 bases into the intron before coding-DNA position 739, G replaced by A.
Molecular consequence: intron variant.
Genome position (GRCh38, 1-based): chr17:13,006,254, C>T on the plus strand (G>A on the coding strand, the complement: ELAC2 is on the minus strand). VCF-style: chr17-13006254-C-T. GRCh37 (hg19) VCF-style: chr17-12909571-C-T.
Other names: c.619-275G>A (NM_001165962.2); c.739-275G>A (NM_173717.2).
Identifiers: ClinVar variation 673163 (VCV000673163.1), dbSNP rs138792410, ClinGen allele CA288086166.
Genomic context (GRCh38, chr17:13,006,254, plus strand): 5'-AACCCCGTCTCTACTAAAAATACAAAATTGGCCAGGCGTGGTGGCACGTGCCTGTAATCC[C>T]AGCAACTCAGGAAGCTGAGGCAGGAGAATCGCTTGAACCCAGAGGCGGATGTTGCAGTGA-3'

ClinVar aggregate classification (germline): Likely benign (1 of 4 stars; one submission).

Allele frequency attached by ClinVar (database versions not stated): gnomAD exomes 0.00135; gnomAD 0.01045 and 0.01123; 1000 Genomes Project 0.01098; 1000 Genomes Project 30x 0.01156; TOPMed 0.01219.
gnomAD v4.1: 1,954 of 420,974 alleles (0.46%); highest among the groups gnomAD compares: African/African-American, 3.6%; 32 homozygotes.

Submission:

GeneDx
Classification: Likely benign. Last evaluated: 2018-06-14. Review status: criteria provided, single submitter. Criteria: GeneDx Variant Classification (06012015). Collection method: clinical testing. Allele origin: germline. Affected: yes.
Comment: This variant is considered likely benign or benign based on one or more of the following criteria: it is a conservative change, it occurs at a poorly conserved position in the protein, it is predicted to be benign by multiple in silico algorithms, and/or has population frequency not consistent with disease.